The following is an entry in ClinVar:

ClinVar aggregate classification (germline): Uncertain significance (1 of 4 stars; one submission).

Allele frequency attached by ClinVar (database versions not stated): gnomAD exomes below 0.00001.
gnomAD v4.1: 1 of 1,614,126 alleles (0.000062%); no homozygotes.

Submission:

Labcorp Genetics (formerly Invitae), Labcorp
Classification: Uncertain significance. Last evaluated: 2022-11-13. Review status: criteria provided, single submitter. Criteria: Invitae Variant Classification Sherloc (09022015). Collection method: clinical testing. Allele origin: germline.
Comment: This sequence change replaces glutamic acid, which is acidic and polar, with aspartic acid, which is acidic and polar, at codon 229 of the COL11A2 protein (p.Glu229Asp). This variant is not present in population databases (gnomAD no frequency). This variant has not been reported in the literature in individuals affected with COL11A2-related conditions. Advanced modeling of protein sequence and biophysical properties (such as structural, functional, and spatial information, amino acid conservation, physicochemical variation, residue mobility, and thermodynamic stability) performed at Invitae indicates that this missense variant is not expected to disrupt COL11A2 protein function. In summary, the available evidence is currently insufficient to determine the role of this variant in disease. Therefore, it has been classified as a Variant of Uncertain Significance.

NM_080680.3(COL11A2):c.687G>C (p.Glu229Asp)

Gene: COL11A2 (collagen type XI alpha 2 chain; minus strand). Cytogenetic location: 6p21.32.
Variant type: single nucleotide variant.
Coding change: c.687G>C on transcript NM_080680.3 (MANE Select); coding-DNA position 687, G replaced by C.
Protein change: p.Glu229Asp; replaces glutamic acid 229 with aspartic acid.
Molecular consequence: missense variant. On other transcripts: 5 prime UTR variant (3), non-coding transcript variant (1).
Genome position (GRCh38, 1-based): chr6:33,186,738, C>G on the plus strand (G>C on the coding strand, the complement: COL11A2 is on the minus strand). VCF-style: chr6-33186738-C-G. GRCh37 (hg19) VCF-style: chr6-33154515-C-G.
Other names: c.687G>C, p.Glu229Asp (NM_001163771.2, NM_001424108.1, NM_080679.3 and 1 more transcripts); c.-160G>C (NM_001424109.1, NM_001424110.1, NM_001424111.1); short protein forms E229D.
Identifiers: ClinVar variation 2881782 (VCV002881782.3), dbSNP rs2535504954, ClinGen allele CA363610344.